The following is an entry in ClinVar:

NM_001276270.2(MBD4):c.1159T>C (p.Ser387Pro)

Gene: MBD4 (methyl-CpG binding domain 4, DNA glycosylase; minus strand). Cytogenetic location: 3q21.3.
Variant type: single nucleotide variant.
Coding change: c.1159T>C on transcript NM_001276270.2 (MANE Select); coding-DNA position 1159, T replaced by C.
Protein change: p.Ser387Pro; replaces serine 387 with proline.
Molecular consequence: missense variant. On other transcripts: intron variant (1).
Genome position (GRCh38, 1-based): chr3:129,436,485, A>G on the plus strand (T>C on the coding strand, the complement: MBD4 is on the minus strand). VCF-style: chr3-129436485-A-G. GRCh37 (hg19) VCF-style: chr3-129155328-A-G.
Other names: c.1159T>C, p.Ser387Pro (NM_001276271.2, NM_001276272.2, NM_003925.3); c.247+1323T>C (NM_001276273.2); short protein forms S387P.
Identifiers: ClinVar variation 4624430 (VCV004624430.1).

ClinVar aggregate classification (germline): Uncertain significance (1 of 4 stars; one submission).

Conditions:
Inborn genetic diseases. Identifiers: MedGen C0950123, MeSH D030342.

Submission:

Ambry Genetics
Classification: Uncertain significance for Inborn genetic diseases. Last evaluated: 2025-11-24. Review status: criteria provided, single submitter. Criteria: Ambry Variant Classification Scheme 2023. Collection method: clinical testing. Allele origin: germline.
Comment: The p.S387P variant (also known as c.1159T>C), located in coding exon 3 of the MBD4 gene, results from a T to C substitution at nucleotide position 1159. The serine at codon 387 is replaced by proline, an amino acid with similar properties. This amino acid position is conserved. In addition, this alteration is predicted to be tolerated by in silico analysis. Based on the available evidence, the clinical significance of this variant remains unclear.